The following is an entry in ClinVar:

ClinVar aggregate classification (germline): Conflicting classifications of pathogenicity. Review status: criteria provided, conflicting classifications (1 of 4 stars). 6 submissions from 6 submitters: Uncertain significance (5); Likely benign (1). Last evaluated 2025-08-18.

Conditions:
Hereditary cancer-predisposing syndrome. Also called: Neoplastic Syndromes, Hereditary; Tumor predisposition; Hereditary Cancer Syndrome; Hereditary neoplastic syndrome. Identifiers: Orphanet 140162, MedGen C0027672, MeSH D009386, MONDO:0015356.
Hereditary breast ovarian cancer syndrome. Also called: Breast and ovarian cancer; Hereditary breast and ovarian cancer; Hereditary breast and/or ovarian cancer syndrome; BRCA1- and BRCA2-Associated Hereditary Breast and Ovarian Cancer; Hereditary breast and ovarian cancer syndrome; Hereditary breast and ovarian cancer syndrome (HBOC). Identifiers: Orphanet 145, MedGen C0677776, MeSH D061325, MONDO:0003582. Disease mechanism: loss of function.

Allele frequency attached by ClinVar (database versions not stated): gnomAD exomes below 0.00001.
gnomAD v4.1: 1 of 1,583,378 alleles (0.000063%); highest among the groups gnomAD compares: South Asian, 0.0012%; no homozygotes.

Submissions (6):

Labcorp Genetics (formerly Invitae), Labcorp
Classification: Uncertain significance for Hereditary breast ovarian cancer syndrome. Last evaluated: 2025-08-18. Review status: criteria provided, single submitter. Criteria: Invitae Variant Classification Sherloc (09022015). Collection method: clinical testing. Allele origin: germline.
Comment: This sequence change replaces valine, which is neutral and non-polar, with isoleucine, which is neutral and non-polar, at codon 1711 of the BRCA2 protein (p.Val1711Ile). This variant is not present in population databases (gnomAD no frequency). This variant has not been reported in the literature in individuals affected with BRCA2-related conditions. ClinVar contains an entry for this variant (Variation ID: 141863). Invitae Evidence Modeling of protein sequence and biophysical properties (such as structural, functional, and spatial information, amino acid conservation, physicochemical variation, residue mobility, and thermodynamic stability) indicates that this missense variant is not expected to disrupt BRCA2 protein function with a negative predictive value of 95%. In summary, the available evidence is currently insufficient to determine the role of this variant in disease. Therefore, it has been classified as a Variant of Uncertain Significance.

Quest Diagnostics Nichols Institute San Juan Capistrano
Classification: Uncertain significance. Last evaluated: 2024-09-11. Review status: criteria provided, single submitter. Criteria: Quest Diagnostics criteria. Collection method: clinical testing. Allele origin: unknown.
Comment: The BRCA2 c.5131G>A (p.Val1711Ile) variant has been reported in the published literature in a region of the BRCA2 gene that is tolerant to missense sequence changes (PMID: 31911673 (2020)). This variant has not been reported in large, multi-ethnic general populations (Genome Aggregation Database). Analysis of this variant using bioinformatics tools for the prediction of the effect of amino acid changes on protein structure and function yielded predictions that this variant is benign. Based on the available information, we are unable to determine the clinical significance of this variant.

University of Washington Department of Laboratory Medicine, University of Washington
Classification: Likely benign for Hereditary cancer-predisposing syndrome. Last evaluated: 2023-03-23. Review status: criteria provided, single submitter. Criteria: Dines et al. (Genet Med. 2020). Collection method: curation. Allele origin: germline.
Comment: Missense variant in a coldspot region where missense variants are very unlikely to be pathogenic (PMID:31911673).

BRCA2 exon 11 coldspot. Reclassification based on statistical prior probability.

Color Diagnostics, LLC DBA Color Health
Classification: Uncertain significance for Hereditary cancer-predisposing syndrome. Last evaluated: 2020-08-24. Review status: criteria provided, single submitter. Criteria: ACMG Guidelines, 2015. Collection method: clinical testing. Allele origin: germline.
Comment: This missense variant replaces valine with isoleucine at codon 1711 of the BRCA2 protein. Computational prediction suggests that this variant may not impact protein structure and function (internally defined REVEL score threshold <= 0.5, PMID: 27666373). To our knowledge, functional studies have not been reported for this variant. This variant has not been reported in individuals affected with hereditary cancer in the literature. This variant has not been identified in the general population by the Genome Aggregation Database (gnomAD). The available evidence is insufficient to determine the role of this variant in disease conclusively. Therefore, this variant is classified as a Variant of Uncertain Significance.

Ambry Genetics
Classification: Uncertain significance for Hereditary cancer-predisposing syndrome. Last evaluated: 2017-07-18. Review status: criteria provided, single submitter. Criteria: Ambry Variant Classification Scheme 2023. Collection method: clinical testing. Allele origin: germline.
Comment: The p.V1711I variant (also known as c.5131G>A), located in coding exon 10 of the BRCA2 gene, results from a G to A substitution at nucleotide position 5131. The valine at codon 1711 is replaced by isoleucine, an amino acid with highly similar properties. This amino acid position is not well conserved in available vertebrate species. In addition, this alteration is predicted to be tolerated by in silico analysis. Since supporting evidence is limited at this time, the clinical significance of this alteration remains unclear.

Women's Health and Genetics/Laboratory Corporation of America, LabCorp
Classification: Uncertain significance. Last evaluated: 2016-11-28. Review status: criteria provided, single submitter. Criteria: LabCorp Variant Classification Summary - May 2015. Collection method: clinical testing. Allele origin: germline.
Comment: Variant summary: The BRCA2 c.5131G>A (p.Val1711Ile) variant causes a missense change involving a non-conserved nucleotide, which 4/5 in silico tools predict a benign outcome, although these predictions have yet to be functionally assessed. The variant of interest was not observed in controls (ExAC, 1000 Gs, or ESP), nor has it been, to our knowledge, reported in affected individuals via publications. Although, a clinical diagnostic laboratory and database cite the variant as "uncertain signficance." Therefore, until additional information becomes available (ie, clinical and functional studies), the variant of interest has been classified as a "Variant of Uncertain Significance (VUS)."

Literature cited by the submitters: PubMed 31911673 (cited by Quest Diagnostics Nichols Institute San Juan Capistrano).

NM_000059.4(BRCA2):c.5131G>A (p.Val1711Ile)

Gene: BRCA2 (BRCA2 DNA repair associated; plus strand). Cytogenetic location: 13q13.1.
Variant type: single nucleotide variant.
Coding change: c.5131G>A on transcript NM_000059.4 (MANE Select); coding-DNA position 5131, G replaced by A.
Protein change: p.Val1711Ile; replaces valine 1711 with isoleucine.
Molecular consequence: missense variant.
Genome position (GRCh38, 1-based): chr13:32,339,486, G>A. VCF-style: chr13-32339486-G-A. GRCh37 (hg19) VCF-style: chr13-32913623-G-A.
Other names: short protein forms V1711I.
Identifiers: ClinVar variation 141863 (VCV000141863.18), dbSNP rs587782067, ClinGen allele CA021369.